The following is an entry in ClinVar:

NM_000291.4(PGK1):c.513A>C (p.Arg171Ser)

Gene: PGK1 (phosphoglycerate kinase 1; plus strand). Cytogenetic location: Xq21.1.
Variant type: single nucleotide variant.
Coding change: c.513A>C on transcript NM_000291.4 (MANE Select); coding-DNA position 513, A replaced by C.
Protein change: p.Arg171Ser; replaces arginine 171 with serine.
Molecular consequence: missense variant.
Genome position (GRCh38, 1-based): chrX:78,117,407, A>C. VCF-style: chrX-78117407-A-C. GRCh37 (hg19) VCF-style: chrX-77372904-A-C.
Other names: short protein forms R171S.
Identifiers: ClinVar variation 4742417 (VCV004742417.1).

ClinVar aggregate classification (germline): Uncertain significance (1 of 4 stars; one submission).

Submission:

Labcorp Genetics (formerly Invitae), Labcorp
Classification: Uncertain significance. Last evaluated: 2026-02-01. Review status: criteria provided, single submitter. Criteria: Invitae Variant Classification Sherloc (09022015). Collection method: clinical testing. Allele origin: germline.
Comment: This sequence change replaces arginine, which is basic and polar, with serine, which is neutral and polar, at codon 171 of the PGK1 protein (p.Arg171Ser). This variant is not present in population databases (gnomAD no frequency). This variant has not been reported in the literature in individuals affected with PGK1-related conditions. Invitae Evidence Modeling of protein sequence and biophysical properties (such as structural, functional, and spatial information, amino acid conservation, physicochemical variation, residue mobility, and thermodynamic stability) indicates that this missense variant is expected to disrupt PGK1 protein function with a positive predictive value of 80%. In summary, the available evidence is currently insufficient to determine the role of this variant in disease. Therefore, it has been classified as a Variant of Uncertain Significance.